The following is an entry in ClinVar:

NM_001037333.3(CYFIP2):c.403C>T (p.Arg135Trp)

Gene: CYFIP2 (cytoplasmic FMR1 interacting protein 2; plus strand). Cytogenetic location: 5q33.3.
Variant type: single nucleotide variant.
Coding change: c.403C>T on transcript NM_001037333.3 (MANE Select); coding-DNA position 403, C replaced by T.
Protein change: p.Arg135Trp; replaces arginine 135 with tryptophan.
Molecular consequence: missense variant.
Genome position (GRCh38, 1-based): chr5:157,300,730, C>T. VCF-style: chr5-157300730-C-T. GRCh37 (hg19) VCF-style: chr5-156727738-C-T.
Other names: c.325C>T, p.Arg109Trp (NM_001291721.2); c.403C>T, p.Arg135Trp (NM_001291722.2, NM_014376.4); short protein forms R135W, R109W.
Identifiers: ClinVar variation 1462631 (VCV001462631.6), dbSNP rs1443507484, ClinGen allele CA361966229.
Genomic context (GRCh38, chr5:157,300,730, plus strand): 5'-ATAAGGGAGCACAGTGGACCTTACTCACTGCCCCTCTGCCCCCAGCGCAAGGCCATCGAG[C>T]GGTTCTGCAGCGAGGTGAAGCGGCTGTGCCATGCCGAGCGCAGGAAGGACTTTGTCTCTG-3'
Protein context (NP_001032410.1, residues 125-145): FMYFQRKAIE[Arg135Trp]FCSEVKRLCH

ClinVar aggregate classification (germline): Uncertain significance (1 of 4 stars; one submission).

Allele frequency attached by ClinVar (database versions not stated): TOPMed below 0.00001; gnomAD 0.00001.
gnomAD v4.1: 2 of 1,600,586 alleles (0.00012%); highest among the groups gnomAD compares: Non-Finnish European, 0.00017%; no homozygotes.

Submission:

Labcorp Genetics (formerly Invitae), Labcorp
Classification: Uncertain significance. Last evaluated: 2022-05-30. Review status: criteria provided, single submitter. Criteria: Invitae Variant Classification Sherloc (09022015). Collection method: clinical testing. Allele origin: germline.
Comment: Algorithms developed to predict the effect of missense changes on protein structure and function are either unavailable or do not agree on the potential impact of this missense change (SIFT: "Deleterious"; PolyPhen-2: "Not Available"; Align-GVGD: "Class C0"). In summary, the available evidence is currently insufficient to determine the role of this variant in disease. Therefore, it has been classified as a Variant of Uncertain Significance. ClinVar contains an entry for this variant (Variation ID: 1462631). This variant has not been reported in the literature in individuals affected with CYFIP2-related conditions. This variant is not present in population databases (gnomAD no frequency). This sequence change replaces arginine, which is basic and polar, with tryptophan, which is neutral and slightly polar, at codon 135 of the CYFIP2 protein (p.Arg135Trp).